The following is an entry in ClinVar:

NM_018249.6(CDK5RAP2):c.472G>A (p.Asp158Asn)

Gene: CDK5RAP2 (CDK5 regulatory subunit associated protein 2; minus strand). Cytogenetic location: 9q33.2.
Variant type: single nucleotide variant.
Coding change: c.472G>A on transcript NM_018249.6 (MANE Select); coding-DNA position 472, G replaced by A.
Protein change: p.Asp158Asn; replaces aspartic acid 158 with asparagine.
Molecular consequence: missense variant. On other transcripts: non-coding transcript variant (5).
Genome position (GRCh38, 1-based): chr9:120,539,076, C>T on the plus strand (G>A on the coding strand, the complement: CDK5RAP2 is on the minus strand). VCF-style: chr9-120539076-C-T. GRCh37 (hg19) VCF-style: chr9-123301354-C-T.
Other names: c.472G>A, p.Asp158Asn (NM_001011649.3, NM_001272039.2); short protein forms D158N.
Identifiers: ClinVar variation 1465796 (VCV001465796.6), dbSNP rs2131981616, ClinGen allele CA374708150.
Genomic context (GRCh38, chr9:120,539,076, plus strand): 5'-CTGCCCTCAGGATTTCCAGACTTGCCTTTTCCAAAAGGAGTATTCTTTTAGTTAGGAGAT[C>T]TTCCACCTGCTGCACCTTCTTTCGAGCATCTTCTTTCACCCGCTGGATTTCAGAGCCACC-3'
Protein context (NP_060719.4, residues 148-168): DARKKVQQVE[Asp158Asn]LLTKRILLLE

ClinVar aggregate classification (germline): Uncertain significance (1 of 4 stars; one submission).

Submission:

Labcorp Genetics (formerly Invitae), Labcorp
Classification: Uncertain significance. Last evaluated: 2021-12-03. Review status: criteria provided, single submitter. Criteria: Invitae Variant Classification Sherloc (09022015). Collection method: clinical testing. Allele origin: germline.
Comment: This sequence change replaces aspartic acid, which is acidic and polar, with asparagine, which is neutral and polar, at codon 158 of the CDK5RAP2 protein (p.Asp158Asn). This variant is not present in population databases (gnomAD no frequency). This variant has not been reported in the literature in individuals affected with CDK5RAP2-related conditions. Algorithms developed to predict the effect of missense changes on protein structure and function are either unavailable or do not agree on the potential impact of this missense change (SIFT: "Tolerated"; PolyPhen-2: "Possibly Damaging"; Align-GVGD: "Class C0"). In summary, the available evidence is currently insufficient to determine the role of this variant in disease. Therefore, it has been classified as a Variant of Uncertain Significance.